The following is an entry in ClinVar:

ClinVar aggregate classification (germline): Uncertain significance (1 of 4 stars; one submission).

Allele frequency attached by ClinVar (database versions not stated): gnomAD exomes 0.00001.
gnomAD v4.1: 12 of 1,613,846 alleles (0.00074%); highest among the groups gnomAD compares: Non-Finnish European, 0.001%; no homozygotes.

Submission:

Labcorp Genetics (formerly Invitae), Labcorp
Classification: Uncertain significance. Last evaluated: 2022-06-07. Review status: criteria provided, single submitter. Criteria: Invitae Variant Classification Sherloc (09022015). Collection method: clinical testing. Allele origin: germline.
Comment: In summary, the available evidence is currently insufficient to determine the role of this variant in disease. Therefore, it has been classified as a Variant of Uncertain Significance. Algorithms developed to predict the effect of missense changes on protein structure and function are either unavailable or do not agree on the potential impact of this missense change (SIFT: "Deleterious"; PolyPhen-2: "Not Available"; Align-GVGD: "Class C45"). ClinVar contains an entry for this variant (Variation ID: 1366101). This missense change has been observed in individual(s) with clinical features of CYFIP2-related conditions (Invitae). This variant is not present in population databases (gnomAD no frequency). This sequence change replaces methionine, which is neutral and non-polar, with threonine, which is neutral and polar, at codon 716 of the CYFIP2 protein (p.Met716Thr).

NM_001037333.3(CYFIP2):c.2147T>C (p.Met716Thr)

Gene: CYFIP2 (cytoplasmic FMR1 interacting protein 2; plus strand). Cytogenetic location: 5q33.3.
Variant type: single nucleotide variant.
Coding change: c.2147T>C on transcript NM_001037333.3 (MANE Select); coding-DNA position 2147, T replaced by C.
Protein change: p.Met716Thr; replaces methionine 716 with threonine.
Molecular consequence: missense variant.
Genome position (GRCh38, 1-based): chr5:157,328,040, T>C. VCF-style: chr5-157328040-T-C. GRCh37 (hg19) VCF-style: chr5-156755048-T-C.
Other names: c.2069T>C, p.Met690Thr (NM_001291721.2); c.2222T>C, p.Met741Thr (NM_001291722.2); c.2147T>C, p.Met716Thr (NM_014376.4); short protein forms M716T, M741T, M690T.
Identifiers: ClinVar variation 1366101 (VCV001366101.8), dbSNP rs2113154879, ClinGen allele CA361970816.
Genomic context (GRCh38, chr5:157,328,040, plus strand): 5'-TGTGTTTTGATCAGTTTGTCTACAAGCTGGCAGACCAGATCTTTGCTTACTACAAAGCCA[T>C]GGCTGGCAGGTAGGAAAGCCCCAGAGCTGTGAGTAGCAATCTCTTAAGACTGCCACCTAG-3'
Protein context (NP_001032410.1, residues 706-726): ADQIFAYYKA[Met716Thr]AGSVLLDKRF